The following is an entry in ClinVar:

NM_017934.7(PHIP):c.4789G>C (p.Ala1597Pro)

Genes: IRAK1BP1 (interleukin 1 receptor associated kinase 1 binding protein 1; plus strand), PHIP (PHIP subunit of CUL4-Ring ligase complex; minus strand). Cytogenetic location: 6q14.1.
Variant type: single nucleotide variant.
Coding change: c.4789G>C on transcript NM_017934.7 (MANE Select); coding-DNA position 4789, G replaced by C.
Protein change: p.Ala1597Pro; replaces alanine 1597 with proline.
Molecular consequence: missense variant.
Genome position (GRCh38, 1-based): chr6:78,945,339, C>G on the plus strand (G>C on the coding strand, the complement: PHIP is on the minus strand). VCF-style: chr6-78945339-C-G. GRCh37 (hg19) VCF-style: chr6-79655056-C-G.
Other names: short protein forms A1597P.
Identifiers: ClinVar variation 4995323 (VCV004995323.1).
Genomic context (GRCh38, chr6:78,945,339, plus strand): 5'-AAGATACAAGTAATACCTTACCTTGCTCAATGACAGCTGATGACTTTGAAAGAGTGGACG[C>G]CTTTGGGAGTACAGATGACTTCATTTTACGTTTGACTGGCTTTTCCTTTTCCATGTTTTC-3'
Protein context (NP_060404.4, residues 1587-1607): RKMKSSVLPK[Ala1597Pro]STLSKSSAVI

ClinVar aggregate classification (germline): Uncertain significance (1 of 4 stars; one submission).

Conditions:
PHIP-related disorder. Also called: PHIP-related disorders; PHIP-related condition.

Submission:

PreventionGenetics, part of Exact Sciences
Classification: Uncertain significance for PHIP-related condition. Last evaluated: 2026-09-12. Review status: criteria provided, single submitter. Criteria: ACMG Guidelines, 2015. Collection method: clinical testing. Allele origin: germline.
Comment: The PHIP c.4789G>C variant is predicted to result in the amino acid substitution p.Ala1597Pro. To our knowledge, this variant has not been reported in the literature or in a large population database (gnomAD), indicating this variant is rare. At this time, the clinical significance of this variant is uncertain due to the absence of conclusive functional and genetic evidence.